The following is an entry in ClinVar:

ClinVar aggregate classification (germline): Uncertain significance (1 of 4 stars; one submission).

Conditions:
Brugada syndrome. Also called: Sudden unexplained nocturnal death syndrome; Sudden Unexplained Death Syndrome; Sudden Unexplained Nocturnal Death Syndrome (SUNDS); Sudden unexpected nocturnal death syndrome. Identifiers: Orphanet 130, MedGen C1142166, MONDO:0015263.

gnomAD v4.1: 6 of 1,614,106 alleles (0.00037%); highest among the groups gnomAD compares: Admixed American, 0.0017%; no homozygotes.

Submission:

Labcorp Genetics (formerly Invitae), Labcorp
Classification: Uncertain significance for Brugada syndrome. Last evaluated: 2025-04-27. Review status: criteria provided, single submitter. Criteria: Invitae Variant Classification Sherloc (09022015). Collection method: clinical testing. Allele origin: germline.
Comment: This sequence change replaces aspartic acid, which is acidic and polar, with glutamic acid, which is acidic and polar, at codon 1752 of the SCN10A protein (p.Asp1752Glu). This variant is present in population databases (no rsID available, gnomAD 0.003%). This variant has not been reported in the literature in individuals affected with SCN10A-related conditions. ClinVar contains an entry for this variant (Variation ID: 568233). Invitae Evidence Modeling of protein sequence and biophysical properties (such as structural, functional, and spatial information, amino acid conservation, physicochemical variation, residue mobility, and thermodynamic stability) indicates that this missense variant is expected to disrupt SCN10A protein function with a positive predictive value of 80%. In summary, the available evidence is currently insufficient to determine the role of this variant in disease. Therefore, it has been classified as a Variant of Uncertain Significance.

NM_006514.4(SCN10A):c.5256C>A (p.Asp1752Glu)

Gene: SCN10A (sodium voltage-gated channel alpha subunit 10; minus strand). Cytogenetic location: 3p22.2.
Variant type: single nucleotide variant.
Coding change: c.5256C>A on transcript NM_006514.4 (MANE Select); coding-DNA position 5256, C replaced by A.
Protein change: p.Asp1752Glu; replaces aspartic acid 1752 with glutamic acid.
Molecular consequence: missense variant.
Genome position (GRCh38, 1-based): chr3:38,697,964, G>T on the plus strand (C>A on the coding strand, the complement: SCN10A is on the minus strand). VCF-style: chr3-38697964-G-T. GRCh37 (hg19) VCF-style: chr3-38739455-G-T.
Other names: c.5253C>A, p.Asp1751Glu (NM_001293306.2); c.4962C>A, p.Asp1654Glu (NM_001293307.2); short protein forms D1752E, D1654E, D1751E.
Identifiers: ClinVar variation 568233 (VCV000568233.4), dbSNP rs138532656, ClinGen allele CA72947098.